The following is an entry in ClinVar:

NM_017649.5(CNNM2):c.2509T>C (p.Leu837=)

Gene: CNNM2 (cyclin and CBS domain divalent metal cation transport mediator 2; plus strand). Cytogenetic location: 10q24.32.
Variant type: single nucleotide variant.
Coding change: c.2509T>C on transcript NM_017649.5 (MANE Select); coding-DNA position 2509, T replaced by C.
Protein change: p.Leu837=; no amino-acid change (leucine 837 retained).
Molecular consequence: synonymous variant.
Genome position (GRCh38, 1-based): chr10:103,077,061, T>C. VCF-style: chr10-103077061-T-C. GRCh37 (hg19) VCF-style: chr10-104836818-T-C.
Other names: c.2443T>C, p.Leu815= (NM_199076.3).
Identifiers: ClinVar variation 2082881 (VCV002082881.29), dbSNP rs376765519, ClinGen allele CA5670640.
Genomic context (GRCh38, chr10:103,077,061, plus strand): 5'-ATGGCATCCCGGATGGACAAAACCCCCCAGTCTTCAGACAGTGAAAACACTAAAATCGAA[T>C]TGACTCTTACGGAGCTGCATGACGGGTTGCCAGACGAGACAGCCAACCTGCTCAACGAAC-3'
Protein context (NP_060119.3, residues 827-847): SSDSENTKIE[Leu837=]TLTELHDGLP

ClinVar aggregate classification (germline): Benign/Likely benign. Review status: criteria provided, multiple submitters, no conflicts (2 of 4 stars). 3 submissions from 3 submitters: Benign (2); Likely benign (1). Last evaluated 2026-05-06.

Allele frequency attached by ClinVar (database versions not stated): 1000 Genomes Project 30x 0.00016; 1000 Genomes Project 0.00020; ESP Exome Variant Server 0.00024; TOPMed 0.00025; gnomAD exomes 0.00032; ExAC 0.00042; gnomAD 0.00043.
gnomAD v4.1: 526 of 1,613,964 alleles (0.033%); highest among the groups gnomAD compares: Non-Finnish European, 0.037%; no homozygotes.

Submissions (3):

Revvity Omics, Revvity
Classification: Benign. Last evaluated: 2026-05-06. Review status: criteria provided, single submitter. Criteria: ACMG Guidelines, 2015. Collection method: clinical testing. Allele origin: germline.

Labcorp Genetics (formerly Invitae), Labcorp
Classification: Benign. Last evaluated: 2025-11-03. Review status: criteria provided, single submitter. Criteria: Invitae Variant Classification Sherloc (09022015). Collection method: clinical testing. Allele origin: germline.

CeGaT Center for Human Genetics Tuebingen
Classification: Likely benign. Last evaluated: 2022-05-01. Review status: criteria provided, single submitter. Criteria: CeGaT Center For Human Genetics Tuebingen Variant Classification Criteria Version 2. Collection method: clinical testing. Allele origin: germline. Affected: yes. Observed: 1 variant allele.
Comment: CNNM2: BP4, BP7